The following is an entry in ClinVar:

NM_000117.3(EMD):c.110A>G (p.Lys37Arg)

Gene: EMD (emerin; plus strand). Cytogenetic location: Xq28.
Variant type: single nucleotide variant.
Coding change: c.110A>G on transcript NM_000117.3 (MANE Select); coding-DNA position 110, A replaced by G.
Protein change: p.Lys37Arg; replaces lysine 37 with arginine.
Molecular consequence: missense variant.
Genome position (GRCh38, 1-based): chrX:154,379,717, A>G. VCF-style: chrX-154379717-A-G. GRCh37 (hg19) VCF-style: chrX-153608077-A-G.
Other names: short protein forms K37R.
Identifiers: ClinVar variation 1934330 (VCV001934330.2), dbSNP rs1085307681, ClinGen allele CA415257384.

ClinVar aggregate classification (germline): Uncertain significance (1 of 4 stars; one submission).

Conditions:
X-linked Emery-Dreifuss muscular dystrophy. Also called: Muscular dystrophy, tardive Emery-Dreifuss type, with contractures. Identifiers: Orphanet 261, Orphanet 98863, MedGen C0751337, MONDO:0010680.

Submission:

Labcorp Genetics (formerly Invitae), Labcorp
Classification: Uncertain significance for X-linked Emery-Dreifuss muscular dystrophy. Last evaluated: 2022-02-19. Review status: criteria provided, single submitter. Criteria: Invitae Variant Classification Sherloc (09022015). Collection method: clinical testing. Allele origin: germline.
Comment: This sequence change replaces lysine, which is basic and polar, with arginine, which is basic and polar, at codon 37 of the EMD protein (p.Lys37Arg). This variant is not present in population databases (gnomAD no frequency). This variant has not been reported in the literature in individuals affected with EMD-related conditions. Algorithms developed to predict the effect of missense changes on protein structure and function are either unavailable or do not agree on the potential impact of this missense change (SIFT: "Deleterious"; PolyPhen-2: "Probably Damaging"; Align-GVGD: "Class C0"). In summary, the available evidence is currently insufficient to determine the role of this variant in disease. Therefore, it has been classified as a Variant of Uncertain Significance.